The following is an entry in ClinVar:

ClinVar aggregate classification (germline): Pathogenic (1 of 4 stars; one submission).

Conditions:
Ehlers-Danlos syndrome, kyphoscoliotic type 1 (EDSKSCL1). Also called: Ehlers-Danlos syndrome, hydroxylysine-deficient; EHLERS-DANLOS SYNDROME, TYPE VIA; EHLERS-DANLOS SYNDROME, OCULAR-SCOLIOTIC TYPE; PLOD1-Related Kyphoscoliotic Ehlers-Danlos Syndrome. Identifiers: Orphanet 1900, MedGen C0268342, MONDO:0016002, OMIM 225400. Disease mechanism: loss of function.

Submission:

Labcorp Genetics (formerly Invitae), Labcorp
Classification: Pathogenic for Ehlers-Danlos syndrome, kyphoscoliotic type 1. Last evaluated: 2022-07-19. Review status: criteria provided, single submitter. Criteria: Invitae Variant Classification Sherloc (09022015). Collection method: clinical testing. Allele origin: germline.
Comment: This sequence change creates a premature translational stop signal (p.Arg111Glyfs*4) in the PLOD1 gene. It is expected to result in an absent or disrupted protein product. Loss-of-function variants in PLOD1 are known to be pathogenic (PMID: 10874315, 21699693). This variant is present in population databases (rs776398739, gnomAD 0.002%). This variant has not been reported in the literature in individuals affected with PLOD1-related conditions. For these reasons, this variant has been classified as Pathogenic.

Literature cited by the submitters: PubMed 10874315; PubMed 21699693.

NM_000302.4(PLOD1):c.331del (p.Arg111fs)

Gene: PLOD1 (procollagen-lysine,2-oxoglutarate 5-dioxygenase 1; plus strand). Cytogenetic location: 1p36.22.
Variant type: Deletion.
Coding change: c.331del on transcript NM_000302.4 (MANE Select); coding-DNA position 331, one base deleted (C; older notation c.331delC).
Protein change: p.Arg111fs; shifts the reading frame from arginine 111.
Molecular consequence: frameshift variant.
Genome position (GRCh38, 1-based): chr1:11,950,385, C deleted; the last of 4 consecutive C bases (chr1:11,950,382-11,950,385); deleting any one gives the same sequence. VCF-style (leftmost placement, unchanged base first): chr1-11950381-GC-G. GRCh37 (hg19) VCF-style: chr1-12010438-GC-G.
Other names: c.472del, p.Arg158fs (NM_001316320.2); short protein forms R158fs, R111fs.
Identifiers: ClinVar variation 1980006 (VCV001980006.4), dbSNP rs776398739, ClinGen allele CA597876.